The following is an entry in ClinVar:

NM_198578.4(LRRK2):c.3091T>C (p.Cys1031Arg)

Gene: LRRK2 (leucine rich repeat kinase 2; plus strand). Cytogenetic location: 12q12.
Variant type: single nucleotide variant.
Coding change: c.3091T>C on transcript NM_198578.4 (MANE Select); coding-DNA position 3091, T replaced by C.
Protein change: p.Cys1031Arg; replaces cysteine 1031 with arginine.
Molecular consequence: missense variant.
Genome position (GRCh38, 1-based): chr12:40,295,639, T>C. VCF-style: chr12-40295639-T-C. GRCh37 (hg19) VCF-style: chr12-40689441-T-C.
Other names: short protein forms C1031R.
Identifiers: ClinVar variation 1359114 (VCV001359114.8), dbSNP rs201552816, ClinGen allele CA235347110.
Genomic context (GRCh38, chr12:40,295,639, plus strand): 5'-GAGCATCTTGAAAAGCTGGAGCTTCACCAGAATGCACTCACGAGCTTTCCACAACAGCTA[T>C]GTGAAGTAAATTTAATTTATCCTTGTAACTTTCAAGACATTTGAAGAGCTTTTGTATTTA-3'
Protein context (NP_940980.4, residues 1021-1041): NALTSFPQQL[Cys1031Arg]ETLKSLTHLD

ClinVar aggregate classification (germline): Uncertain significance. Review status: criteria provided, multiple submitters, no conflicts (2 of 4 stars). 2 submissions from 2 submitters: Uncertain significance (2). Last evaluated 2021-09-22.

Conditions:
Autosomal dominant Parkinson disease 8. Also called: LRRK2-Related Parkinson Disease; Parkinson disease 8; Parkinson disease 8, susceptibility to. Identifiers: Orphanet 411602, MedGen C1846862, MONDO:0011764, OMIM 607060.

Allele frequency attached by ClinVar (database versions not stated): gnomAD exomes 0.00001 and 0.00004; gnomAD 0.00003; TOPMed 0.00003.

Submissions (2):

Fulgent Genetics
Classification: Uncertain significance for Autosomal dominant Parkinson disease 8. Last evaluated: 2021-09-22. Review status: criteria provided, single submitter. Criteria: ACMG Guidelines, 2015. Collection method: clinical testing. Allele origin: unknown.

Labcorp Genetics (formerly Invitae), Labcorp
Classification: Uncertain significance for Autosomal dominant Parkinson disease 8. Last evaluated: 2020-11-21. Review status: criteria provided, single submitter. Criteria: Invitae Variant Classification Sherloc (09022015). Collection method: clinical testing. Allele origin: germline.
Comment: In summary, the available evidence is currently insufficient to determine the role of this variant in disease. Therefore, it has been classified as a Variant of Uncertain Significance. Algorithms developed to predict the effect of missense changes on protein structure and function are either unavailable or do not agree on the potential impact of this missense change (SIFT: "Deleterious"; PolyPhen-2: "Probably Damaging"; Align-GVGD: "Class C0"). This variant has not been reported in the literature in individuals with LRRK2-related conditions. This variant is not present in population databases (ExAC no frequency). This sequence change replaces cysteine with arginine at codon 1031 of the LRRK2 protein (p.Cys1031Arg). The cysteine residue is moderately conserved and there is a large physicochemical difference between cysteine and arginine.